The following is an entry in ClinVar:

NM_032977.4(CASP10):c.1139A>G (p.His380Arg)

Gene: CASP10 (caspase 10; plus strand). Cytogenetic location: 2q33.1.
Variant type: single nucleotide variant.
Coding change: c.1139A>G on transcript NM_032977.4 (MANE Select); coding-DNA position 1139, A replaced by G.
Protein change: p.His380Arg; replaces histidine 380 with arginine.
Molecular consequence: missense variant. On other transcripts: 3 prime UTR variant (1).
Genome position (GRCh38, 1-based): chr2:201,209,286, A>G. VCF-style: chr2-201209286-A-G. GRCh37 (hg19) VCF-style: chr2-202074009-A-G.
Other names: c.938A>G, p.His313Arg (NM_001206524.2); c.1010A>G, p.His337Arg (NM_001206542.2, NM_001230.5); c.1139A>G, p.His380Arg (NM_032974.5); c.*225A>G (NM_032976.4); short protein forms H313R, H337R, H380R.
Identifiers: ClinVar variation 2177908 (VCV002177908.4), dbSNP rs1265165148, ClinGen allele CA350291637.

ClinVar aggregate classification (germline): Uncertain significance (1 of 4 stars; one submission).

Conditions:
Autoimmune lymphoproliferative syndrome type 2A (ALPS2A). Also called: CASP10-Related Autoimmune Lymphoproliferative Syndrome; AUTOIMMUNE LYMPHOPROLIFERATIVE SYNDROME, TYPE IIA; Autoimmune lymphoproliferative syndrome type 2. Identifiers: Orphanet 3261, MedGen C1858968, MONDO:0011383, OMIM 603909.

Allele frequency attached by ClinVar (database versions not stated): gnomAD exomes 0.00001.
gnomAD v4.1: 3 of 1,614,112 alleles (0.00019%); highest among the groups gnomAD compares: Admixed American, 0.0033%; no homozygotes.

Submission:

Labcorp Genetics (formerly Invitae), Labcorp
Classification: Uncertain significance for Autoimmune lymphoproliferative syndrome type 2A. Last evaluated: 2022-05-29. Review status: criteria provided, single submitter. Criteria: Invitae Variant Classification Sherloc (09022015). Collection method: clinical testing. Allele origin: germline.
Comment: In summary, the available evidence is currently insufficient to determine the role of this variant in disease. Therefore, it has been classified as a Variant of Uncertain Significance. Algorithms developed to predict the effect of missense changes on protein structure and function are either unavailable or do not agree on the potential impact of this missense change (SIFT: "Tolerated"; PolyPhen-2: "Possibly Damaging"; Align-GVGD: "Class C0"). This variant has not been reported in the literature in individuals affected with CASP10-related conditions. This variant is present in population databases (no rsID available, gnomAD 0.006%). This sequence change replaces histidine, which is basic and polar, with arginine, which is basic and polar, at codon 380 of the CASP10 protein (p.His380Arg).